The following is an entry in ClinVar:

ClinVar aggregate classification (germline): Pathogenic (1 of 4 stars; one submission).

Conditions:
Inborn genetic diseases. Identifiers: MedGen C0950123, MeSH D030342.

Submission:

Ambry Genetics
Classification: Pathogenic for Inborn genetic diseases. Last evaluated: 2025-09-02. Review status: criteria provided, single submitter. Criteria: Ambry Variant Classification Scheme 2023. Collection method: clinical testing. Allele origin: germline.
Comment: The c.3070delG (p.D1024Mfs*64) alteration, located in exon 15 (coding exon 15) of the ANKRD17 gene, consists of a deletion of one nucleotide at position 3070, causing a translational frameshift with a predicted alternate stop codon after 64 amino acids. This alteration is expected to result in loss of function by premature protein truncation or nonsense-mediated mRNA decay. This variant was not reported in population-based cohorts in the Genome Aggregation Database (gnomAD). Based on the available evidence, this alteration is classified as pathogenic.

NM_032217.5(ANKRD17):c.3070del (p.Asp1024fs)

Gene: ANKRD17 (ankyrin repeat domain 17; minus strand). Cytogenetic location: 4q13.3.
Variant type: Deletion.
Coding change: c.3070del on transcript NM_032217.5 (MANE Select); coding-DNA position 3070, one base deleted (G; older notation c.3070delG).
Protein change: p.Asp1024fs; shifts the reading frame from aspartic acid 1024.
Molecular consequence: frameshift variant. On other transcripts: intron variant (1).
Genome position (GRCh38, 1-based): chr4:73,139,546, C deleted on the plus strand (G on the coding strand, the reverse complement: ANKRD17 is on the minus strand); the first of 2 consecutive C bases (chr4:73,139,546-73,139,547); deleting either gives the same sequence. VCF-style (leftmost placement, unchanged base first): chr4-73139545-TC-T. GRCh37 (hg19) VCF-style: chr4-74005262-TC-T.
Other names: c.2731del, p.Asp911fs (NM_001286771.3); c.3070del, p.Asp1024fs (NM_015574.2); c.2332+2195del (NM_198889.3); short protein forms D911fs, D1024fs.
Identifiers: ClinVar variation 4101684 (VCV004101684.1).